The following is an entry in ClinVar:

ClinVar aggregate classification (germline): Likely pathogenic (1 of 4 stars; one submission).

Conditions:
Joubert syndrome. Also called: CEREBELLOPARENCHYMAL DISORDER IV; JOUBERT-BOLTSHAUSER SYNDROME; Familial aplasia of the vermis. Identifiers: Orphanet 475, MedGen C5979921, MONDO:0018772.
Meckel-Gruber syndrome. Also called: DYSENCEPHALIA SPLANCHNOCYSTICA; GRUBER SYNDROME; Dysencephalia splachnocystica. Identifiers: Orphanet 564, MedGen C0265215, MONDO:0018921.

Submission:

Labcorp Genetics (formerly Invitae), Labcorp
Classification: Likely pathogenic for Joubert syndrome; Meckel-Gruber syndrome. Last evaluated: 2022-05-11. Review status: criteria provided, single submitter. Criteria: Invitae Variant Classification Sherloc (09022015). Collection method: clinical testing. Allele origin: germline.
Comment: In summary, the currently available evidence indicates that the variant is pathogenic, but additional data are needed to prove that conclusively. Therefore, this variant has been classified as Likely Pathogenic. Algorithms developed to predict the effect of sequence changes on RNA splicing suggest that this variant may disrupt the consensus splice site. This variant has not been reported in the literature in individuals affected with TCTN2-related conditions. This variant is not present in population databases (gnomAD no frequency). This sequence change affects an acceptor splice site in intron 3 of the TCTN2 gene. It is expected to disrupt RNA splicing. Variants that disrupt the donor or acceptor splice site typically lead to a loss of protein function (PMID: 16199547), and loss-of-function variants in TCTN2 are known to be pathogenic (PMID: 21565611).

Literature cited by the submitters: PubMed 16199547; PubMed 21565611.

NM_024809.5(TCTN2):c.268-2A>G

Gene: TCTN2 (tectonic family member 2; plus strand). Cytogenetic location: 12q24.31.
Variant type: single nucleotide variant.
Coding change: c.268-2A>G on transcript NM_024809.5 (MANE Select); the canonical splice acceptor site of the intron before coding-DNA position 268, A replaced by G.
Molecular consequence: splice acceptor variant. On other transcripts: intron variant (1).
Genome position (GRCh38, 1-based): chr12:123,673,613, A>G. VCF-style: chr12-123673613-A-G. GRCh37 (hg19) VCF-style: chr12-124158160-A-G.
Other names: c.268-2A>G (NM_001410989.1); c.268-5A>G (NM_001143850.3).
Identifiers: ClinVar variation 2112596 (VCV002112596.4), dbSNP rs2541751074, ClinGen allele CA387156659.